The following is an entry in ClinVar:

ClinVar aggregate classification (germline): Conflicting classifications of pathogenicity. Review status: criteria provided, conflicting classifications (1 of 4 stars). 12 submissions from 12 submitters: Pathogenic (6); Likely pathogenic (4); Uncertain significance (1). 1 of the submissions does not count toward it. Last evaluated 2025-12-26.

Conditions:
SMARCAL1-related disorder. Also called: SMARCAL1-related condition.
Inherited Immunodeficiency Diseases. Identifiers: MedGen C5197805, MeSH D000081207.
Schimke immuno-osseous dysplasia (SIOD). Also called: Schimke Immunoosseous Dysplasia. Identifiers: Orphanet 1830, MedGen C0877024, MONDO:0009458, OMIM 242900.
Inborn genetic diseases. Identifiers: MedGen C0950123, MeSH D030342.
Focal segmental glomerulosclerosis (FSGS). Also called: Glomerulosclerosis, focal; Focal sclerosis with hyalinosis. Identifiers: MedGen C0017668, MONDO:0100313, HP:0000097. Disease mechanism: loss of function.

Allele frequency attached by ClinVar (database versions not stated): gnomAD 0.00019 and 0.00015; ESP Exome Variant Server 0.00023; gnomAD exomes 0.00023 and 0.00010; ExAC 0.00011; TOPMed 0.00018.
gnomAD v4.1: 366 of 1,612,590 alleles (0.023%); highest among the groups gnomAD compares: Non-Finnish European, 0.028%; no homozygotes.

Submissions (12):

Ambry Genetics
Classification: Likely pathogenic for Inborn genetic diseases. Last evaluated: 2025-12-26. Review status: criteria provided, single submitter. Criteria: Ambry Variant Classification Scheme 2023. Collection method: clinical testing. Allele origin: germline.
Comment: The c.2114C>T (p.T705I) alteration is located in exon 13 (coding exon 11) of the SMARCAL1 gene. This alteration results from a C to T substitution at nucleotide position 2114, causing the threonine (T) at amino acid position 705 to be replaced by an isoleucine (I). Based on data from gnomAD, the T allele has an overall frequency of 0.011% (32/282534) total alleles studied. The highest observed frequency was 0.02% (5/24928) of European (Finnish) alleles. This variant has been identified in the homozygous state and/or in conjunction with other SMARCAL1 variant(s) in individual(s) with features consistent with Schimke immunoosseous dysplasia; in at least one instance, the variants were identified in trans (Boerkoel, 2002; Hunter, 2010; Sen, 2017; Stray-Pedersen, 2016; Power, 2019; Ambry internal data). This amino acid position is highly conserved in available vertebrate species. This alteration is predicted to be deleterious by in silico analysis. Based on the available evidence, this alteration is classified as likely pathogenic.

Labcorp Genetics (formerly Invitae), Labcorp
Classification: Likely pathogenic for Schimke immuno-osseous dysplasia. Last evaluated: 2025-12-17. Review status: criteria provided, single submitter. Criteria: Invitae Variant Classification Sherloc (09022015). Collection method: clinical testing. Allele origin: germline.
Comment: This sequence change replaces threonine, which is neutral and polar, with isoleucine, which is neutral and non-polar, at codon 705 of the SMARCAL1 protein (p.Thr705Ile). This variant is present in population databases (rs200644381, gnomAD 0.02%). This missense change has been observed in individual(s) with Schimke immunoosseous dysplasia (PMID: 11799392, 30784191). In at least one individual the data is consistent with being in trans (on the opposite chromosome) from a pathogenic variant. ClinVar contains an entry for this variant (Variation ID: 632064). Invitae Evidence Modeling of protein sequence and biophysical properties (such as structural, functional, and spatial information, amino acid conservation, physicochemical variation, residue mobility, and thermodynamic stability) indicates that this missense variant is expected to disrupt SMARCAL1 protein function with a positive predictive value of 80%. In summary, the currently available evidence indicates that the variant is pathogenic, but additional data are needed to prove that conclusively. Therefore, this variant has been classified as Likely Pathogenic.

Natera, Inc.
Classification: Pathogenic for Schimke immuno-osseous dysplasia. Last evaluated: 2025-08-20. Review status: criteria provided, single submitter. Criteria: Natera Variant Classification Schema (03/2026). Collection method: clinical testing. Allele origin: germline.
Comment: The c.2114C>T variant in SMARCAL1 is a missense variant predicted to cause substitution of threonine to isoleucine at amino acid 705. This variant is rare in the general population with a frequency below the threshold expected for the associated phenotype(s). This variant has been observed in one or more individuals affected with the associated recessive disease, as either homozygous or compound heterozygous with a second variant (PMID: 11799392, 27577878, 28780565, 28796785, 30784191, 32499645, 34120753). Additionally, this variant has been observed to segregate in affected family members (PMID: 27577878, 30784191). Computational prediction algorithms indicate this variant is likely to affect gene or protein function. Given the available evidence, this variant is classified as Pathogenic.

Victorian Clinical Genetics Services, Murdoch Childrens Research Institute
Classification: Pathogenic for Schimke immuno-osseous dysplasia. Last evaluated: 2024-11-26. Review status: criteria provided, single submitter. Criteria: ACMG Guidelines, 2015. Collection method: clinical testing. Allele origin: germline. Affected: yes.
Comment: This variant is classified as Pathogenic. Evidence in support of pathogenic classification: Variant is present in gnomAD <0.01 for a recessive condition (v4: 366 heterozygote(s), 0 homozygote(s)); This variant has strong previous evidence of pathogenicity in unrelated individuals. This variant has been classified by multiple clinical laboratories as pathogenic and likely pathogenic, and once as a VUS, in ClinVar. It has also been reported in the literature in multiple compound heterozygous individuals with Schimke immunoosseous dysplasia and renal disease (PMIDs: 11799392, 18805831, 38993907, 30784191, 28780565); Missense variant consistently predicted to be damaging by in silico tool or highly conserved with a major amino acid change. Additional information: Variant is predicted to result in a missense amino acid change from threonine to isoleucine; This variant is heterozygous; This gene is associated with autosomal recessive disease; An alternative amino acid change at the same position has been observed in gnomAD (v3: 1 heterozygote(s), 0 homozygote(s)); No comparable missense variants have previous evidence for pathogenicity; Variant is located in the annotated SNF2-related domain (DECIPHER); Loss of function is a known mechanism of disease in this gene and is associated with Schimke immunoosseous dysplasia (MIM#242900) - Variants in this gene are known to have variable expressivity. The associated phenotype involves a spectrum ranging from severe-early onset disease to a milder later-onset form (PMID: 20301550, OMIM); Inheritance information for this variant is not currently available in this individual.

Blueprint Genetics
Classification: Pathogenic for SMARCAL1-related disorders. Last evaluated: 2024-10-23. Review status: criteria provided, single submitter. Criteria: ACMG Guidelines, 2015. Collection method: clinical testing. Allele origin: germline. Affected: yes. Observed: 5 variant alleles.

Molecular Diagnostics Lab, Nemours Children's Health, Delaware
Classification: Likely pathogenic for Focal segmental glomerulosclerosis. Last evaluated: 2024-09-13. Review status: criteria provided, single submitter. Criteria: ACMG Guidelines, 2015. Collection method: clinical testing. Allele origin: unknown. Inheritance: Autosomal recessive inheritance. Affected: yes. Observed: 1 heterozygote.
Comment: This missense vaiant (c.2144C>T, p.Thr705Ile) has been observed at extremely low frequency in population databases (gnomAD). It has been reported in the literature (PMID 18805821, 11799392, 30784191). Variant prediction programs suggest a deleterious effect, and functional studies support this.

Fulgent Genetics
Classification: Pathogenic for Schimke immuno-osseous dysplasia. Last evaluated: 2024-01-02. Review status: criteria provided, single submitter. Criteria: ACMG Guidelines, 2015. Collection method: clinical testing. Allele origin: germline.

Department of Pathology and Laboratory Medicine, Sinai Health System
Classification: Uncertain significance for Schimke immuno-osseous dysplasia. Last evaluated: 2023-05-15. Review status: criteria provided, single submitter. Criteria: ACMG Guidelines, 2015. Collection method: research. Allele origin: germline.

PreventionGenetics, part of Exact Sciences
Classification: Pathogenic for SMARCAL1-related condition. Last evaluated: 2023-02-03. Review status: criteria provided, single submitter. Criteria: ACMG Guidelines, 2015. Collection method: clinical testing. Allele origin: germline.
Comment: The SMARCAL1 c.2114C>T variant is predicted to result in the amino acid substitution p.Thr705Ile. This variant has been reported in the compound heterozygous and homozygous state in individuals with Schimke immuno-osseous dysplasia (Figure E6, Table E1, Stray-Pedersen et al. 2016. PubMed ID: 27577878; Power et al 2019. PubMed ID: 30784191; Boerkoel et al. 2002. PubMed ID: 11799392). This variant is reported in 0.020% of alleles in individuals of European (Finnish) descent in gnomAD. This variant is interpreted as pathogenic.

GeneDx
Classification: Pathogenic. Last evaluated: 2022-11-28. Review status: criteria provided, single submitter. Criteria: GeneDx Variant Classification Process June 2021. Collection method: clinical testing. Allele origin: germline. Affected: yes.
Comment: Published functional studies demonstrate a damaging effect (Elizondo et al., 2009); In silico analysis, which includes protein predictors and evolutionary conservation, supports a deleterious effect; This variant is associated with the following publications: (PMID: 11799392, 28780565, 28796785, 27577878, 30784191, 18805831, 32499645, 32581362, 34746741)

NIHR Bioresource Rare Diseases, University of Cambridge
Classification: Likely pathogenic for Inherited Immunodeficiency Diseases. Last evaluated: 2019-01-01. Review status: criteria provided, single submitter. Criteria: ACMG Guidelines, 2015. Collection method: research. Allele origin: germline. Affected: yes. Observed: 2 heterozygotes. Clinical features observed: Decreased number of CD4+ T cells (HP:0005407), Verrucae (HP:0200043), Autoimmune neutropenia (HP:0001904), Acne (HP:0001061), Lymphopenia (HP:0001888), Abnormality of the skin (HP:0000951), Reduced natural killer cell number (HP:0040218).

Bioscientia Institut fuer Medizinische Diagnostik GmbH, Sonic Healthcare
Classification: Pathogenic for Schimke immuno-osseous dysplasia. Last evaluated: 2019-06-05. Review status: no assertion criteria provided. Collection method: clinical testing. Allele origin: germline. Affected: yes. Not counted in ClinVar's aggregate classification.

Literature cited by the submitters: PubMed 11799392 (cited by 5 submitters); PubMed 20013129 (cited by Ambry Genetics); PubMed 27577878 (cited by Ambry Genetics and Natera, Inc.); PubMed 28780565 (cited by 3 submitters); PubMed 30784191 (cited by 5 submitters); PubMed 28796785 (cited by Natera, Inc.); PubMed 32499645 (cited by Natera, Inc.); PubMed 34120753 (cited by Natera, Inc.); PubMed 18805831 (cited by Victorian Clinical Genetics Services, Murdoch Childrens Research Institute and Molecular Diagnostics Lab, Nemours Children's Health, Delaware); PubMed 20301550 (cited by Victorian Clinical Genetics Services, Murdoch Childrens Research Institute); PubMed 38993907 (cited by Victorian Clinical Genetics Services, Murdoch Childrens Research Institute).

NM_014140.4(SMARCAL1):c.2114C>T (p.Thr705Ile)

Gene: SMARCAL1 (SNF2 related chromatin remodeling annealing helicase 1; plus strand). Cytogenetic location: 2q35.
Variant type: single nucleotide variant.
Coding change: c.2114C>T on transcript NM_014140.4 (MANE Select); coding-DNA position 2114, C replaced by T.
Protein change: p.Thr705Ile; replaces threonine 705 with isoleucine.
Molecular consequence: missense variant.
Genome position (GRCh38, 1-based): chr2:216,464,640, C>T. VCF-style: chr2-216464640-C-T. GRCh37 (hg19) VCF-style: chr2-217329363-C-T.
Other names: c.2114C>T, p.Thr705Ile (NM_001127207.2); short protein forms T705I.
Identifiers: ClinVar variation 632064 (VCV000632064.28), dbSNP rs200644381, ClinGen allele CA2098098.